The following is an entry in ClinVar:

ClinVar aggregate classification (germline): Likely benign (1 of 4 stars; one submission).

Conditions:
Factor VII-activating protease marburg I. Identifiers: MedGen CN068943.

Allele frequency attached by ClinVar (database versions not stated): gnomAD exomes 0.00021 and 0.00061; ExAC 0.00068; gnomAD 0.00219 and 0.00229; ESP Exome Variant Server 0.00231; TOPMed 0.00254; 1000 Genomes Project 0.00319; 1000 Genomes Project 30x 0.00359.
gnomAD v4.1: 637 of 1,529,778 alleles (0.042%); highest among the groups gnomAD compares: African/African-American, 0.79%; 5 homozygotes.

Submission:

Illumina Laboratory Services, Illumina
Classification: Likely benign for Factor VII Marburg I Variant Thrombophilia. Last evaluated: 2018-01-13. Review status: criteria provided, single submitter. Criteria: ICSL Variant Classification Criteria 13 December 2019. Collection method: clinical testing. Allele origin: germline.
Comment: This variant was observed in the ICSL laboratory as part of a predisposition screen in an ostensibly healthy population. It had not been previously curated by ICSL or reported in the Human Gene Mutation Database (HGMD: prior to June 1st, 2018), and was therefore a candidate for classification through an automated scoring system. Utilizing variant allele frequency, disease prevalence and penetrance estimates, and inheritance mode, an automated score was calculated to assess if this variant is too frequent to cause the disease. Based on the score and internal cut-off values, a variant classified as likely benign is not then subjected to further curation. The score for this variant resulted in a classification of likely benign for this disease.

NM_004132.5(HABP2):c.*565A>G

Genes: HABP2 (hyaluronan binding protein 2; plus strand), NRAP (nebulin related anchoring protein; minus strand). Cytogenetic location: 10q25.3.
Variant type: single nucleotide variant.
Coding change: c.*565A>G on transcript NM_004132.5 (MANE Select); 565 bases downstream of the stop codon, A replaced by G.
Molecular consequence: 3 prime UTR variant.
Genome position (GRCh38, 1-based): chr10:113,588,934, A>G. VCF-style: chr10-113588934-A-G. GRCh37 (hg19) VCF-style: chr10-115348693-A-G.
Other names: c.*565A>G (NM_001177660.3); c.*41T>C (NM_001261463.2, NM_001322945.2, NM_006175.5 and 1 more transcripts).
Identifiers: ClinVar variation 879852 (VCV000879852.4), dbSNP rs138944153, ClinGen allele CA5694121.
Genomic context (GRCh38, chr10:113,588,934, plus strand): 5'-CTGGTGGGCCATTCCAGCTTGCCGAAATCAAAGCCATCTGAAGCCTGTCTCTGGTGAACA[A>G]ACTTCCTCTCTGGCCTCTCAGGAATCAGGGTGGACATGGCTCACAACAGCAGGGCCTTCT-3'